The following is an entry in ClinVar:

NM_001093.4(ACACB):c.5362G>A (p.Val1788Met)

Gene: ACACB (acetyl-CoA carboxylase beta; plus strand). Cytogenetic location: 12q24.11.
Variant type: single nucleotide variant.
Coding change: c.5362G>A on transcript NM_001093.4 (MANE Select); coding-DNA position 5362, G replaced by A.
Protein change: p.Val1788Met; replaces valine 1788 with methionine.
Molecular consequence: missense variant.
Genome position (GRCh38, 1-based): chr12:109,246,239, G>A. VCF-style: chr12-109246239-G-A. GRCh37 (hg19) VCF-style: chr12-109684044-G-A.
Other names: c.5362G>A (NM_001093.3); short protein forms V1788M.
Identifiers: ClinVar variation 806935 (VCV000806935.43), dbSNP rs143901792, ClinGen allele CA6774723.

ClinVar aggregate classification (germline): Uncertain significance. Review status: criteria provided, single submitter (1 of 4 stars). 2 submissions from 2 submitters: Uncertain significance (1). 1 of the submissions does not count toward it. Last evaluated 2016-05-01.

Conditions:
ACACB-related disorder. Also called: ACACB-related condition.

Allele frequency attached by ClinVar (database versions not stated): gnomAD exomes 0.00013 and 0.00043; ExAC 0.00051; ESP Exome Variant Server 0.00154; gnomAD 0.00158 and 0.00168; TOPMed 0.00173; 1000 Genomes Project 0.00180; 1000 Genomes Project 30x 0.00203.
gnomAD v4.1: 454 of 1,613,874 alleles (0.028%); highest among the groups gnomAD compares: African/African-American, 0.5%; 2 homozygotes.

Submissions (2):

CeGaT Center for Human Genetics Tuebingen
Classification: Uncertain significance. Last evaluated: 2016-05-01. Review status: criteria provided, single submitter. Criteria: CeGaT Center For Human Genetics Tuebingen Variant Classification Criteria Version 2. Collection method: clinical testing. Allele origin: germline. Affected: yes. Observed: 1 variant allele.

PreventionGenetics, part of Exact Sciences
Classification: Likely benign for ACACB-related condition. Last evaluated: 2021-10-13. Review status: no assertion criteria provided. Collection method: clinical testing. Allele origin: germline. Not counted in ClinVar's aggregate classification.
Comment: This variant is classified as likely benign based on ACMG/AMP sequence variant interpretation guidelines (Richards et al. 2015 PMID: 25741868, with internal and published modifications).